The following is an entry in ClinVar:

ClinVar aggregate classification (germline): Likely benign. Review status: criteria provided, multiple submitters, no conflicts (2 of 4 stars). 2 submissions from 2 submitters: Likely benign (2). Last evaluated 2026-01-18.

Conditions:
Maple syrup urine disease (MSUD). Identifiers: Orphanet 511, MedGen C0024776, MeSH D008375, MONDO:0009563. Disease mechanism: loss of function.

Allele frequency attached by ClinVar (database versions not stated): gnomAD 0.00001; TOPMed 0.00001.
gnomAD v4.1: 5 of 1,557,474 alleles (0.00032%); highest among the groups gnomAD compares: Non-Finnish European, 0.00044%; no homozygotes.

Submissions (2):

Labcorp Genetics (formerly Invitae), Labcorp
Classification: Likely benign for Maple syrup urine disease. Last evaluated: 2026-01-18. Review status: criteria provided, single submitter. Criteria: Invitae Variant Classification Sherloc (09022015). Collection method: clinical testing. Allele origin: germline.

GeneDx
Classification: Likely benign. Last evaluated: 2016-12-15. Review status: criteria provided, single submitter. Criteria: GeneDx Variant Classification (06012015). Collection method: clinical testing. Allele origin: germline. Affected: yes.
Comment: This variant is considered likely benign or benign based on one or more of the following criteria: it is a conservative change, it occurs at a poorly conserved position in the protein, it is predicted to be benign by multiple in silico algorithms, and/or has population frequency not consistent with disease.

NM_001918.5(DBT):c.433+18A>G

Gene: DBT (dihydrolipoamide branched chain transacylase E2; minus strand). Cytogenetic location: 1p21.2.
Variant type: single nucleotide variant.
Coding change: c.433+18A>G on transcript NM_001918.5 (MANE Select); 18 bases into the intron after coding-DNA position 433, A replaced by G.
Molecular consequence: intron variant.
Genome position (GRCh38, 1-based): chr1:100,230,715, T>C on the plus strand (A>G on the coding strand, the complement: DBT is on the minus strand). VCF-style: chr1-100230715-T-C. GRCh37 (hg19) VCF-style: chr1-100696271-T-C.
Identifiers: ClinVar variation 391683 (VCV000391683.2), dbSNP rs1057524189, ClinGen allele CA16603366.